The following is an entry in ClinVar:

ClinVar aggregate classification (germline): Uncertain significance. Review status: criteria provided, multiple submitters, no conflicts (2 of 4 stars). 2 submissions from 2 submitters: Uncertain significance (2). Last evaluated 2024-04-04.

Conditions:
Thrombocytopenia 5 (THC5). Also called: THROMBOCYTOPENIA 5 WITH INCREASED SUSCEPTIBILITY TO MALIGNANCY; THROMBOCYTOPENIA, AUTOSOMAL DOMINANT, 5. Identifiers: MedGen C4015537, MONDO:0014536, OMIM 616216.

Allele frequency attached by ClinVar (database versions not stated): gnomAD exomes below 0.00001.
gnomAD v4.1: 1 of 1,605,798 alleles (0.000062%); highest among the groups gnomAD compares: South Asian, 0.0011%; no homozygotes.

Submissions (2):

Genomic Medicine Center of Excellence, King Faisal Specialist Hospital and Research Centre
Classification: Uncertain significance for Thrombocytopenia 5. Last evaluated: 2024-04-04. Review status: criteria provided, single submitter. Criteria: ACMG Guidelines, 2015. Collection method: clinical testing. Allele origin: germline.

Labcorp Genetics (formerly Invitae), Labcorp
Classification: Uncertain significance. Last evaluated: 2023-03-27. Review status: criteria provided, single submitter. Criteria: Invitae Variant Classification Sherloc (09022015). Collection method: clinical testing. Allele origin: germline.
Comment: ClinVar contains an entry for this variant (Variation ID: 2031749). In summary, the available evidence is currently insufficient to determine the role of this variant in disease. Therefore, it has been classified as a Variant of Uncertain Significance. Variants that disrupt the consensus splice site are a relatively common cause of aberrant splicing (PMID: 17576681, 9536098). Algorithms developed to predict the effect of sequence changes on RNA splicing suggest that this variant may disrupt the consensus splice site. An algorithm developed to predict the effect of missense changes on protein structure and function (PolyPhen-2) suggests that this variant is likely to be disruptive. This missense change has been observed in individual(s) with clinical features of familial thrombocytopenia with leukemia (Invitae). It has also been observed to segregate with disease in related individuals. This variant is not present in population databases (gnomAD no frequency). This sequence change replaces arginine, which is basic and polar, with methionine, which is neutral and non-polar, at codon 418 of the ETV6 protein (p.Arg418Met). This variant also falls at the last nucleotide of exon 7, which is part of the consensus splice site for this exon.

Literature cited by the submitters: PubMed 17576681 (cited by Labcorp Genetics (formerly Invitae), Labcorp); PubMed 9536098 (cited by Labcorp Genetics (formerly Invitae), Labcorp).

NM_001987.5(ETV6):c.1253G>T (p.Arg418Met)

Gene: ETV6 (ETS variant transcription factor 6; plus strand). Cytogenetic location: 12p13.2.
Variant type: single nucleotide variant.
Coding change: c.1253G>T on transcript NM_001987.5 (MANE Select); coding-DNA position 1253, G replaced by T.
Protein change: p.Arg418Met; replaces arginine 418 with methionine.
Molecular consequence: missense variant.
Genome position (GRCh38, 1-based): chr12:11,886,026, G>T. VCF-style: chr12-11886026-G-T. GRCh37 (hg19) VCF-style: chr12-12038960-G-T.
Other names: c.1250G>T, p.Arg417Met (NM_001413913.1); c.1226G>T, p.Arg409Met (NM_001413914.1); c.989G>T, p.Arg330Met (NM_001413915.1); short protein forms R418M, R330M, R409M, R417M.
Identifiers: ClinVar variation 2031749 (VCV002031749.5), dbSNP rs2498187463, ClinGen allele CA384045036.